The following is an entry in ClinVar:

ClinVar aggregate classification (germline): Uncertain significance (1 of 4 stars; one submission).

Submission:

GeneDx
Classification: Uncertain significance. Last evaluated: 2024-03-12. Review status: criteria provided, single submitter. Criteria: GeneDx Variant Classification Process June 2021. Collection method: clinical testing. Allele origin: germline. Affected: yes.
Comment: Not observed at significant frequency in large population cohorts (gnomAD); In silico analysis supports that this missense variant does not alter protein structure/function; Has not been previously published as pathogenic or benign to our knowledge.

NM_017617.5(NOTCH1):c.5102C>A (p.Ala1701Glu)

Gene: NOTCH1 (notch receptor 1; minus strand). Cytogenetic location: 9q34.3.
Variant type: single nucleotide variant.
Coding change: c.5102C>A on transcript NM_017617.5 (MANE Select); coding-DNA position 5102, C replaced by A.
Protein change: p.Ala1701Glu; replaces alanine 1701 with glutamic acid.
Molecular consequence: missense variant.
Genome position (GRCh38, 1-based): chr9:136,503,247, G>T on the plus strand (C>A on the coding strand, the complement: NOTCH1 is on the minus strand). VCF-style: chr9-136503247-G-T. GRCh37 (hg19) VCF-style: chr9-139397699-G-T.
Other names: short protein forms A1701E.
Identifiers: ClinVar variation 3373704 (VCV003373704.1).